The following is an entry in ClinVar:

ClinVar aggregate classification (germline): Uncertain significance. Review status: criteria provided, multiple submitters, no conflicts (2 of 4 stars). 2 submissions from 2 submitters: Uncertain significance (2). Last evaluated 2024-08-27.

Conditions:
Mitochondrial complex II deficiency, nuclear type 1. Also called: SUCCINATE CoQ REDUCTASE DEFICIENCY. Identifiers: Orphanet 3208, MedGen C5700310, MONDO:0100294, OMIM 252011.
Pheochromocytoma/paraganglioma syndrome 5. Also called: Paragangliomas 5; SDHA-Related Hereditary Paraganglioma-Pheochromocytoma Syndrome. Identifiers: Orphanet 29072, MedGen C3279992, MONDO:0013602, OMIM 614165.
Hereditary cancer-predisposing syndrome. Also called: Tumor predisposition; Hereditary Cancer Syndrome; Neoplastic Syndromes, Hereditary; Hereditary neoplastic syndrome. Identifiers: Orphanet 140162, MedGen C0027672, MeSH D009386, MONDO:0015356.

Submissions (2):

Labcorp Genetics (formerly Invitae), Labcorp
Classification: Uncertain significance for Pheochromocytoma/paraganglioma syndrome 5; Mitochondrial complex II deficiency, nuclear type 1. Last evaluated: 2024-08-27. Review status: criteria provided, single submitter. Criteria: Invitae Variant Classification Sherloc (09022015). Collection method: clinical testing. Allele origin: germline.
Comment: This sequence change replaces asparagine, which is neutral and polar, with lysine, which is basic and polar, at codon 416 of the SDHA protein (p.Asn416Lys). This variant is not present in population databases (gnomAD no frequency). This variant has not been reported in the literature in individuals affected with SDHA-related conditions. Invitae Evidence Modeling of protein sequence and biophysical properties (such as structural, functional, and spatial information, amino acid conservation, physicochemical variation, residue mobility, and thermodynamic stability) indicates that this missense variant is not expected to disrupt SDHA protein function with a negative predictive value of 95%. In summary, the available evidence is currently insufficient to determine the role of this variant in disease. Therefore, it has been classified as a Variant of Uncertain Significance.

Ambry Genetics
Classification: Uncertain significance for Hereditary cancer-predisposing syndrome. Last evaluated: 2024-03-19. Review status: criteria provided, single submitter. Criteria: Ambry Variant Classification Scheme 2023. Collection method: clinical testing. Allele origin: germline.
Comment: The p.N416K variant (also known as c.1248C>G), located in coding exon 9 of the SDHA gene, results from a C to G substitution at nucleotide position 1248. The asparagine at codon 416 is replaced by lysine, an amino acid with similar properties. This amino acid position is conserved. In addition, this alteration is predicted to be tolerated by in silico analysis. Based on the available evidence, the clinical significance of this alteration remains unclear.

NM_004168.4(SDHA):c.1248C>G (p.Asn416Lys)

Gene: SDHA (succinate dehydrogenase complex flavoprotein subunit A; plus strand). Cytogenetic location: 5p15.33.
Variant type: single nucleotide variant.
Coding change: c.1248C>G on transcript NM_004168.4 (MANE Select); coding-DNA position 1248, C replaced by G.
Protein change: p.Asn416Lys; replaces asparagine 416 with lysine.
Molecular consequence: missense variant.
Genome position (GRCh38, 1-based): chr5:235,327, C>G. VCF-style: chr5-235327-C-G. GRCh37 (hg19) VCF-style: chr5-235442-C-G.
Other names: c.1104C>G, p.Asn368Lys (NM_001294332.2); c.1248C>G, p.Asn416Lys (NM_001330758.2); c.1248C>G (NM_004168.2); short protein forms N368K, N416K.
Identifiers: ClinVar variation 2922170 (VCV002922170.4), dbSNP rs1280816822, ClinGen allele CA359013756.
Genomic context (GRCh38, chr5:235,327, plus strand): 5'-GAAGGAGCCGATCCCTGTCCTCCCCACCGTGCATTATAACATGGGCGGCATTCCCACCAA[C>G]TACAAGGGGCAGGTGATGGTGCTGGCTCCTCCCCCACAGCTGGAAAGAAGGCTGGGACGA-3'
Protein context (NP_004159.2, residues 406-426): VHYNMGGIPT[Asn416Lys]YKGQVLRHVN